The following is an entry in ClinVar:

NM_001370100.5(ZMYND11):c.442A>G (p.Ile148Val)

Gene: ZMYND11 (zinc finger MYND-type containing 11; plus strand). Cytogenetic location: 10p15.3.
Variant type: single nucleotide variant.
Coding change: c.442A>G on transcript NM_001370100.5 (MANE Select); coding-DNA position 442, A replaced by G.
Protein change: p.Ile148Val; replaces isoleucine 148 with valine.
Molecular consequence: missense variant. On other transcripts: 5 prime UTR variant (1), non-coding transcript variant (1).
Genome position (GRCh38, 1-based): chr10:236,841, A>G. VCF-style: chr10-236841-A-G. GRCh37 (hg19) VCF-style: chr10-282781-A-G.
Other names: c.280A>G, p.Ile94Val (NM_001202464.3, NM_001202465.3, NM_001202466.3 and 11 more transcripts); c.442A>G, p.Ile148Val (NM_001202468.1, NM_001370097.3, NM_001370098.2 and 10 more transcripts); c.391A>G, p.Ile131Val (NM_001330057.3, NM_001370112.2); c.376A>G, p.Ile126Val (NM_001370116.2); c.322A>G, p.Ile108Val (NM_001370118.2); c.214A>G, p.Ile72Val (NM_001370120.2); c.160A>G, p.Ile54Val (NM_001370121.2); c.229A>G, p.Ile77Val (NM_001370123.2); and 1 more; short protein forms I108V, I131V, I72V, I77V, I148V, I54V, I126V, I94V.
Identifiers: ClinVar variation 3701003 (VCV003701003.2).

ClinVar aggregate classification (germline): Uncertain significance (1 of 4 stars; one submission).

gnomAD v4.1: 2 of 1,611,598 alleles (0.00012%); highest among the groups gnomAD compares: East Asian, 0.0045%; no homozygotes.

Submission:

Labcorp Genetics (formerly Invitae), Labcorp
Classification: Uncertain significance. Last evaluated: 2024-07-16. Review status: criteria provided, single submitter. Criteria: Invitae Variant Classification Sherloc (09022015). Collection method: clinical testing. Allele origin: germline.
Comment: This sequence change replaces isoleucine, which is neutral and non-polar, with valine, which is neutral and non-polar, at codon 148 of the ZMYND11 protein (p.Ile148Val). This variant is not present in population databases (gnomAD no frequency). This variant has not been reported in the literature in individuals affected with ZMYND11-related conditions. Advanced modeling of protein sequence and biophysical properties (such as structural, functional, and spatial information, amino acid conservation, physicochemical variation, residue mobility, and thermodynamic stability) performed at Invitae indicates that this missense variant is not expected to disrupt ZMYND11 protein function with a negative predictive value of 80%. In summary, the available evidence is currently insufficient to determine the role of this variant in disease. Therefore, it has been classified as a Variant of Uncertain Significance.